The following is an entry in ClinVar:

NM_001079843.3(CASZ1):c.439GAG[1] (p.Glu148del)

Gene: CASZ1 (castor zinc finger 1; minus strand). Cytogenetic location: 1p36.22.
Variant type: Microsatellite.
Coding change: c.439GAG[1] on transcript NM_001079843.3 (MANE Select); one copy of the 3-base unit GAG starting at c.439; the reference has two copies in a row; one copy, 3 bases deleted.
Protein change: p.Glu148del; deletes glutamic acid 148.
Genome position (GRCh38, 1-based): chr1:10,665,144-10,665,146, CTC deleted on the plus strand (GAG on the coding strand, the reverse complement: CASZ1 is on the minus strand); deleting any 3 consecutive bases within chr1:10,665,144-10,665,150 gives the same sequence; the position shown is the placement nearest the transcript's 3' end. VCF-style (leftmost placement, unchanged base first): chr1-10665143-TCTC-T. GRCh37 (hg19) VCF-style: chr1-10725200-TCTC-T.
Other names: c.439GAG[1], p.Glu148del (NM_017766.5); short protein forms E148del.
Identifiers: ClinVar variation 3708271 (VCV003708271.2).

ClinVar aggregate classification (germline): Uncertain significance (1 of 4 stars; one submission).

Submission:

Labcorp Genetics (formerly Invitae), Labcorp
Classification: Uncertain significance. Last evaluated: 2024-11-13. Review status: criteria provided, single submitter. Criteria: Invitae Variant Classification Sherloc (09022015). Collection method: clinical testing. Allele origin: germline.
Comment: This variant, c.442_444del, results in the deletion of 1 amino acid(s) of the CASZ1 protein (p.Glu148del), but otherwise preserves the integrity of the reading frame. This variant is present in population databases (rs753601864, gnomAD 0.007%). This variant has not been reported in the literature in individuals affected with CASZ1-related conditions. Experimental studies and prediction algorithms are not available or were not evaluated, and the functional significance of this variant is currently unknown. In summary, the available evidence is currently insufficient to determine the role of this variant in disease. Therefore, it has been classified as a Variant of Uncertain Significance.